The following is an entry in ClinVar:

ClinVar aggregate classification (germline): Uncertain significance (1 of 4 stars; one submission).

Conditions:
Cardiovascular phenotype. Identifiers: MedGen CN230736.

Allele frequency attached by ClinVar (database versions not stated): TOPMed below 0.00001; gnomAD 0.00001; gnomAD exomes 0.00001.
gnomAD v4.1: 18 of 1,613,640 alleles (0.0011%); highest among the groups gnomAD compares: South Asian, 0.0022%; no homozygotes.

Submission:

Ambry Genetics
Classification: Uncertain significance for Cardiovascular phenotype. Last evaluated: 2023-03-08. Review status: criteria provided, single submitter. Criteria: Ambry Variant Classification Scheme 2023. Collection method: clinical testing. Allele origin: germline.
Comment: The p.E3023K variant (also known as c.9067G>A), located in coding exon 25 of the TNXB gene, results from a G to A substitution at nucleotide position 9067. The glutamic acid at codon 3023 is replaced by lysine, an amino acid with similar properties. This amino acid position is conserved. In addition, this alteration is predicted to be tolerated by in silico analysis. Since supporting evidence is limited at this time, the clinical significance of this alteration remains unclear.

NM_001365276.2(TNXB):c.9073G>A (p.Glu3025Lys)

Gene: TNXB (tenascin XB; minus strand). Cytogenetic location: 6p21.33.
Variant type: single nucleotide variant.
Coding change: c.9073G>A on transcript NM_001365276.2 (MANE Select); coding-DNA position 9073, G replaced by A.
Protein change: p.Glu3025Lys; replaces glutamic acid 3025 with lysine.
Molecular consequence: missense variant.
Genome position (GRCh38, 1-based): chr6:32,052,712, C>T on the plus strand (G>A on the coding strand, the complement: TNXB is on the minus strand). VCF-style: chr6-32052712-C-T. GRCh37 (hg19) VCF-style: chr6-32020489-C-T.
Other names: c.9067G>A, p.Glu3023Lys (NM_019105.8); short protein forms E3023K, E3025K.
Identifiers: ClinVar variation 2464309 (VCV002464309.2), dbSNP rs1355021413, ClinGen allele CA363544915.